The following is an entry in ClinVar:

NM_004612.4(TGFBR1):c.429G>C (p.Leu143Phe)

Gene: TGFBR1 (transforming growth factor beta receptor 1; plus strand). Cytogenetic location: 9q22.33.
Variant type: single nucleotide variant.
Coding change: c.429G>C on transcript NM_004612.4 (MANE Select); coding-DNA position 429, G replaced by C.
Protein change: p.Leu143Phe; replaces leucine 143 with phenylalanine.
Molecular consequence: missense variant. On other transcripts: non-coding transcript variant (4), intron variant (3).
Genome position (GRCh38, 1-based): chr9:99,132,594, G>C. VCF-style: chr9-99132594-G-C. GRCh37 (hg19) VCF-style: chr9-101894876-G-C.
Other names: c.222G>C, p.Leu74Phe (NM_001407426.1, NM_001407427.1, NM_001407428.1 and 8 more transcripts); c.429G>C, p.Leu143Phe (NM_001407435.1, NM_001407417.1); c.183G>C, p.Leu61Phe (NM_001407436.1); c.343+3494G>C (NM_001130916.3); c.98-5265G>C (NM_001407438.1); c.98-9942G>C (NM_001407437.1); c.441G>C, p.Leu147Phe (NM_001306210.2, NM_001407416.1); c.234G>C, p.Leu78Phe (NM_001407418.1, NM_001407419.1, NM_001407420.1 and 1 more transcripts); short protein forms L143F, L147F, L61F, L74F, L78F.
Identifiers: ClinVar variation 4528134 (VCV004528134.2).

ClinVar aggregate classification (germline): Uncertain significance (1 of 4 stars; one submission).

gnomAD v4.1: 2 of 1,614,176 alleles (0.00012%); highest among the groups gnomAD compares: Non-Finnish European, 0.00017%; no homozygotes.

Submission:

GeneDx
Classification: Uncertain significance. Last evaluated: 2026-02-05. Review status: criteria provided, single submitter. Criteria: GeneDx Variant Classification Process June 2021. Collection method: clinical testing. Allele origin: germline.
Comment: Not observed at significant frequency in large population cohorts (gnomAD); In silico analysis suggests that this missense variant does not alter protein structure/function; Has not been previously published as pathogenic or benign to our knowledge